The following is an entry in ClinVar:

NC_000003.11:g.(?_33171411)_(33171579_?)del

Gene: CRTAP (cartilage associated protein; plus strand). Cytogenetic location: 3p22.3.
Variant type: Deletion.
Identifiers: ClinVar variation 3246880 (VCV003246880.1).

ClinVar aggregate classification (germline): Pathogenic (1 of 4 stars; one submission).

Conditions:
Osteogenesis imperfecta type 7 (OI7). Also called: OI type 7; OI type VII; OSTEOGENESIS IMPERFECTA, TYPE IIB; Osteogenesis imperfecta type 2B; OI type 2B; Osteogenesis imperfecta, perinatal lethal autosomal recessive. Identifiers: MedGen C1853162, MONDO:0012536, OMIM 610682.

Submission:

Labcorp Genetics (formerly Invitae), Labcorp
Classification: Pathogenic for Osteogenesis imperfecta type 7. Last evaluated: 2023-01-09. Review status: criteria provided, single submitter. Criteria: Invitae Variant Classification Sherloc (09022015). Collection method: clinical testing. Allele origin: unknown.
Comment: For these reasons, this variant has been classified as Pathogenic. This variant disrupts a region of the CRTAP protein in which other variant(s) (p.Glu269_Val270del) have been determined to be pathogenic (PMID: 21964860). This suggests that this is a clinically significant region of the protein, and that variants that disrupt it are likely to be disease-causing. This variant has not been reported in the literature in individuals affected with CRTAP-related conditions. This variant is a gross deletion of the genomic region encompassing exon(s) 4 of the CRTAP gene. This variant would be expected to be in-frame, preserving the integrity of the reading frame.

Literature cited by the submitters: PubMed 21964860.